The following is an entry in ClinVar:

NM_080669.6(SLC46A1):c.444_445insCTGCTGCTCCAGGCCCTAGTGTCCGTTTTTGTGGTGCAGCTGCAGCTCCACGTCGGCTACTTCGTGC (p.Ile149fs)

Gene: SLC46A1 (solute carrier family 46 member 1; minus strand). Cytogenetic location: 17q11.2.
Variant type: Insertion.
Coding change: c.444_445insCTGCTGCTCCAGGCCCTAGTGTCCGTTTTTGTGGTGCAGCTGCAGCTCCACGTCGGCTACTTCGTGC on transcript NM_080669.6 (MANE Select); coding-DNA positions 444 to 445, CTGCTGCTCCAGGCCCTAGTGTCCGTTTTTGTGGTGCAGCTGCAGCTCCACGTCGGCTACTTCGTGC inserted.
Protein change: p.Ile149fs; shifts the reading frame from isoleucine 149.
Molecular consequence: frameshift variant.
Genome position: GRCh38: chr17:28,405,254-28,405,255. GRCh37 (hg19): chr17:26,732,272-26,732,273.
Other names: c.444_445insCTGCTGCTCCAGGCCCTAGTGTCCGTTTTTGTGGTGCAGCTGCAGCTCCACGTCGGCTACTTCGTGC, p.Ile149fs (NM_001242366.3); short protein forms I149fs.
Identifiers: ClinVar variation 1457240 (VCV001457240.6), dbSNP rs2142467231, ClinGen allele CA2573153175.

ClinVar aggregate classification (germline): Pathogenic (1 of 4 stars; one submission).

Submission:

Labcorp Genetics (formerly Invitae), Labcorp
Classification: Pathogenic. Last evaluated: 2022-04-26. Review status: criteria provided, single submitter. Criteria: Invitae Variant Classification Sherloc (09022015). Collection method: clinical testing. Allele origin: germline.
Comment: This sequence change creates a premature translational stop signal (p.Ile149Leufs*38) in the SLC46A1 gene. It is expected to result in an absent or disrupted protein product. Loss-of-function variants in SLC46A1 are known to be pathogenic (PMID: 17446347, 21333572). This variant is not present in population databases (gnomAD no frequency). This variant has not been reported in the literature in individuals affected with SLC46A1-related conditions. For these reasons, this variant has been classified as Pathogenic.

Literature cited by the submitters: PubMed 17446347; PubMed 21333572.